The following is an entry in ClinVar:

ClinVar aggregate classification (germline): Uncertain significance (1 of 4 stars; one submission).

gnomAD v4.1: 3 of 1,611,870 alleles (0.00019%); highest among the groups gnomAD compares: Non-Finnish European, 0.00017%; no homozygotes.

Submission:

Labcorp Genetics (formerly Invitae), Labcorp
Classification: Uncertain significance. Last evaluated: 2022-04-20. Review status: criteria provided, single submitter. Criteria: Invitae Variant Classification Sherloc (09022015). Collection method: clinical testing. Allele origin: germline.
Comment: In summary, the available evidence is currently insufficient to determine the role of this variant in disease. Therefore, it has been classified as a Variant of Uncertain Significance. Algorithms developed to predict the effect of missense changes on protein structure and function are either unavailable or do not agree on the potential impact of this missense change (SIFT: "Deleterious"; PolyPhen-2: "Benign"; Align-GVGD: "Class C0"). This variant has not been reported in the literature in individuals affected with HMCN1-related conditions. This variant is not present in population databases (gnomAD no frequency). This sequence change replaces glutamine, which is neutral and polar, with lysine, which is basic and polar, at codon 1282 of the HMCN1 protein (p.Gln1282Lys).

NM_031935.3(HMCN1):c.3844C>A (p.Gln1282Lys)

Gene: HMCN1 (hemicentin 1; plus strand). Cytogenetic location: 1q31.1.
Variant type: single nucleotide variant.
Coding change: c.3844C>A on transcript NM_031935.3 (MANE Select); coding-DNA position 3844, C replaced by A.
Protein change: p.Gln1282Lys; replaces glutamine 1282 with lysine.
Molecular consequence: missense variant.
Genome position (GRCh38, 1-based): chr1:185,997,494, C>A. VCF-style: chr1-185997494-C-A. GRCh37 (hg19) VCF-style: chr1-185966626-C-A.
Other names: short protein forms Q1282K.
Identifiers: ClinVar variation 2067759 (VCV002067759.4), dbSNP rs757109501, ClinGen allele CA343873258.